The following is an entry in ClinVar:

NM_001999.4(FBN2):c.6280C>T (p.Arg2094Trp)

Gene: FBN2 (fibrillin 2; minus strand). Cytogenetic location: 5q23.3.
Variant type: single nucleotide variant.
Coding change: c.6280C>T on transcript NM_001999.4 (MANE Select); coding-DNA position 6280, C replaced by T.
Protein change: p.Arg2094Trp; replaces arginine 2094 with tryptophan.
Molecular consequence: missense variant.
Genome position (GRCh38, 1-based): chr5:128,291,541, G>A on the plus strand (C>T on the coding strand, the complement: FBN2 is on the minus strand). VCF-style: chr5-128291541-G-A. GRCh37 (hg19) VCF-style: chr5-127627233-G-A.
Other names: short protein forms R2094W.
Identifiers: ClinVar variation 519854 (VCV000519854.7), dbSNP rs1262453464, ClinGen allele CA360764272.

ClinVar aggregate classification (germline): Uncertain significance. Review status: criteria provided, multiple submitters, no conflicts (2 of 4 stars). 3 submissions from 3 submitters: Uncertain significance (3). Last evaluated 2026-01-13.

Conditions:
Familial thoracic aortic aneurysm and aortic dissection (TAAD). Also called: Thoracic aortic aneurysms and dissections. Identifiers: Orphanet 91387, MedGen C4707243, MONDO:0019625.
Congenital contractural arachnodactyly (CCA). Also called: BEALS SYNDROME; Beals-Hecht syndrome; Arthrogryposis, distal, type 9. Identifiers: Orphanet 115, MedGen C0220668, MONDO:0007363, OMIM 121050.

Allele frequency attached by ClinVar (database versions not stated): gnomAD exomes below 0.00001 and 0.00001; TOPMed 0.00001.
gnomAD v4.1: 7 of 1,613,868 alleles (0.00043%); highest among the groups gnomAD compares: Admixed American, 0.0017%; no homozygotes.

Submissions (3):

Labcorp Genetics (formerly Invitae), Labcorp
Classification: Uncertain significance for Congenital contractural arachnodactyly. Last evaluated: 2026-01-13. Review status: criteria provided, single submitter. Criteria: Invitae Variant Classification Sherloc (09022015). Collection method: clinical testing. Allele origin: germline.
Comment: This sequence change replaces arginine, which is basic and polar, with tryptophan, which is neutral and slightly polar, at codon 2094 of the FBN2 protein (p.Arg2094Trp). This variant is present in population databases (no rsID available, gnomAD 0.003%). This variant has not been reported in the literature in individuals affected with FBN2-related conditions. ClinVar contains an entry for this variant (Variation ID: 519854). Invitae Evidence Modeling of protein sequence and biophysical properties (such as structural, functional, and spatial information, amino acid conservation, physicochemical variation, residue mobility, and thermodynamic stability) indicates that this missense variant is not expected to disrupt FBN2 protein function with a negative predictive value of 80%. In summary, the available evidence is currently insufficient to determine the role of this variant in disease. Therefore, it has been classified as a Variant of Uncertain Significance.

Blueprint Genetics
Classification: Uncertain significance. Last evaluated: 2021-11-09. Review status: criteria provided, single submitter. Criteria: ACMG Guidelines, 2015. Collection method: clinical testing. Allele origin: germline.

Ambry Genetics
Classification: Uncertain significance for Familial thoracic aortic aneurysm and aortic dissection. Last evaluated: 2017-04-28. Review status: criteria provided, single submitter. Criteria: Ambry Variant Classification Scheme 2023. Collection method: clinical testing. Allele origin: germline.
Comment: The p.R2094W variant (also known as c.6280C>T), located in coding exon 49 of the FBN2 gene, results from a C to T substitution at nucleotide position 6280. The arginine at codon 2094 is replaced by tryptophan, an amino acid with dissimilar properties, and is located in the TGFBP #06 domain. This amino acid position is highly conserved in available vertebrate species. In addition, this alteration is predicted to be deleterious by in silico analysis. Since supporting evidence is limited at this time, the clinical significance of this alteration remains unclear.